The following is an entry in ClinVar:

ClinVar aggregate classification (germline): Benign. Review status: criteria provided, multiple submitters, no conflicts (2 of 4 stars). 13 submissions from 13 submitters: Benign (10). 3 of the submissions do not count toward it. Last evaluated 2026-02-04.

Conditions:
Primary ciliary dyskinesia. Also called: Ciliary dyskinesia. Identifiers: Orphanet 244, MedGen C0008780, MONDO:0016575, HP:0012265.
Primary ciliary dyskinesia 3. Identifiers: Orphanet 244, MedGen C1837618, MONDO:0012085, OMIM 608644.

Allele frequency attached by ClinVar (database versions not stated): gnomAD exomes 0.35866 and 0.37883; ESP Exome Variant Server 0.39935; gnomAD 0.40077 and 0.40226; TOPMed 0.41267; 1000 Genomes Project 30x 0.45253; 1000 Genomes Project 0.45467.
gnomAD v4.1: 585,814 of 1,613,462 alleles (36%); highest among the groups gnomAD compares: East Asian, 56%; 108,559 homozygotes.

Submissions (13):

Labcorp Genetics (formerly Invitae), Labcorp
Classification: Benign for Primary ciliary dyskinesia. Last evaluated: 2026-02-04. Review status: criteria provided, single submitter. Criteria: Invitae Variant Classification Sherloc (09022015). Collection method: clinical testing. Allele origin: germline.

Blueprint Genetics
Classification: Benign. Last evaluated: 2024-11-26. Review status: criteria provided, single submitter. Criteria: ACMG Guidelines, 2015. Collection method: clinical testing. Allele origin: germline.

Mayo Clinic Laboratories, Mayo Clinic
Classification: Benign. Last evaluated: 2022-04-26. Review status: criteria provided, single submitter. Criteria: ACMG Guidelines, 2015. Collection method: clinical testing. Allele origin: germline. Observed: 131 variant alleles.

Pars Genome Lab
Classification: Benign for Primary ciliary dyskinesia 3. Last evaluated: 2021-06-15. Review status: criteria provided, single submitter. Criteria: ACMG Guidelines, 2015. Collection method: clinical testing. Allele origin: germline. Affected: no.

GeneDx
Classification: Benign. Last evaluated: 2018-11-10. Review status: criteria provided, single submitter. Criteria: GeneDx Variant Classification Process June 2021. Collection method: clinical testing. Allele origin: germline. Affected: yes.

Illumina Laboratory Services, Illumina
Classification: Benign for Primary ciliary dyskinesia 3. Last evaluated: 2018-01-13. Review status: criteria provided, single submitter. Criteria: ICSL Variant Classification Criteria 13 December 2019. Collection method: clinical testing. Allele origin: germline.
Comment: This variant was observed in the ICSL laboratory as part of a predisposition screen in an ostensibly healthy population. It had not been previously curated by ICSL or reported in the Human Gene Mutation Database (HGMD: prior to June 1st, 2018), and was therefore a candidate for classification through an automated scoring system. Utilizing variant allele frequency, disease prevalence and penetrance estimates, and inheritance mode, an automated score was calculated to assess if this variant is too frequent to cause the disease. Based on the score and internal cut-off values, a variant classified as benign is not then subjected to further curation. The score for this variant resulted in a classification of benign for this disease.

Ambry Genetics
Classification: Benign for Primary ciliary dyskinesia. Last evaluated: 2014-12-10. Review status: criteria provided, single submitter. Criteria: Ambry Variant Classification Scheme 2023. Collection method: clinical testing. Allele origin: germline.

Laboratory for Molecular Medicine, Mass General Brigham Personalized Medicine
Classification: Benign. Last evaluated: 2013-02-21. Review status: criteria provided, single submitter. Criteria: LMM Criteria. Collection method: clinical testing. Allele origin: germline. Observed: 66 variant alleles.
Comment: Ala1724Ala in exon 32 of DNAH5: This variant is not expected to have clinical si gnificance because it does not alter an amino acid residue and is not located wi thin the splice consensus sequence. It has been identified in 50.0% (2201/4406) of African American chromosomes from a broad population by the NHLBI Exome Seque ncing Project (dbSNP rs10041113).

Breakthrough Genomics
Classification: Benign. Review status: criteria provided, single submitter. Criteria: ACMG Guidelines, 2015. Collection method: not provided. Allele origin: germline. Inheritance: Autosomal recessive inheritance. Affected: yes.

PreventionGenetics, part of Exact Sciences
Classification: Benign. Review status: criteria provided, single submitter. Criteria: ACMG Guidelines, 2015. Collection method: clinical testing. Allele origin: germline.

Natera, Inc.
Classification: Benign for Primary ciliary dyskinesia. Last evaluated: 2020-09-16. Review status: no assertion criteria provided. Collection method: clinical testing. Allele origin: germline. Not counted in ClinVar's aggregate classification.

Clinical Genetics DNA and cytogenetics Diagnostics Lab, Erasmus MC, Erasmus Medical Center
Classification: Benign. Review status: no assertion criteria provided. Collection method: clinical testing. Allele origin: germline. Affected: yes. Study: VKGL Data-share Consensus. Not counted in ClinVar's aggregate classification.

Diagnostic Laboratory, Department of Genetics, University Medical Center Groningen
Classification: Benign. Review status: no assertion criteria provided. Collection method: clinical testing. Allele origin: germline. Affected: yes. Study: VKGL Data-share Consensus. Not counted in ClinVar's aggregate classification.

NM_001369.3(DNAH5):c.5172C>T (p.Ala1724=)

Gene: DNAH5 (dynein axonemal heavy chain 5; minus strand). Cytogenetic location: 5p15.2.
Variant type: single nucleotide variant.
Coding change: c.5172C>T on transcript NM_001369.3 (MANE Select); coding-DNA position 5172, C replaced by T.
Protein change: p.Ala1724=; no amino-acid change (alanine 1724 retained).
Molecular consequence: synonymous variant.
Genome position (GRCh38, 1-based): chr5:13,844,936, G>A on the plus strand (C>T on the coding strand, the complement: DNAH5 is on the minus strand). VCF-style: chr5-13844936-G-A. GRCh37 (hg19) VCF-style: chr5-13845045-G-A.
Other names: p.Ala1724=.
Identifiers: ClinVar variation 178749 (VCV000178749.34), dbSNP rs10041113, ClinGen allele CA182933.
Genomic context (GRCh38, chr5:13,844,936, plus strand): 5'-ATTCAGCAAATGGGCCTGTATAGTGTGGGAGTCCGACGCCTGCCCCAGAATCTCTAGAAG[G>A]GCAGGATCTGAGACGAAGAAAAACCGAGGAAAGCACAGTCGTTTTTTCTCCAAGTACCTA-3'
Protein context (NP_001360.1, residues 1714-1734): FPRFFFVSDP[Ala1724=]LLEILGQASD